The following is an entry in ClinVar:

NM_000051.4(ATM):c.5429C>T (p.Thr1810Ile)

Gene: ATM (ATM serine/threonine kinase; plus strand). Cytogenetic location: 11q22.3.
Variant type: single nucleotide variant.
Coding change: c.5429C>T on transcript NM_000051.4 (MANE Select); coding-DNA position 5429, C replaced by T.
Protein change: p.Thr1810Ile; replaces threonine 1810 with isoleucine.
Molecular consequence: missense variant.
Genome position (GRCh38, 1-based): chr11:108,302,962, C>T. VCF-style: chr11-108302962-C-T. GRCh37 (hg19) VCF-style: chr11-108173689-C-T.
Other names: c.5429C>T, p.Thr1810Ile (NM_001351834.2); short protein forms T1810I.
Identifiers: ClinVar variation 569948 (VCV000569948.8), dbSNP rs1565479223, ClinGen allele CA382544004.

ClinVar aggregate classification (germline): Uncertain significance (1 of 4 stars; one submission).

Conditions:
Ataxia-telangiectasia syndrome (AT). Also called: AT, COMPLEMENTATION GROUP C; Cerebello-oculocutaneous telangiectasia; Immunodeficiency with ataxia telangiectasia; Ataxia-telangiectasia, complementation group D; ATAXIA-TELANGIECTASIA, FRESNO VARIANT; Ataxia-telangiectasia, complementation group E. Identifiers: Orphanet 100, MedGen C0004135, MONDO:0008840, OMIM 208900.

Submission:

Labcorp Genetics (formerly Invitae), Labcorp
Classification: Uncertain significance for Ataxia-telangiectasia syndrome. Last evaluated: 2024-12-09. Review status: criteria provided, single submitter. Criteria: Invitae Variant Classification Sherloc (09022015). Collection method: clinical testing. Allele origin: germline.
Comment: This sequence change replaces threonine, which is neutral and polar, with isoleucine, which is neutral and non-polar, at codon 1810 of the ATM protein (p.Thr1810Ile). This variant is not present in population databases (gnomAD no frequency). This variant has not been reported in the literature in individuals affected with ATM-related conditions. ClinVar contains an entry for this variant (Variation ID: 569948). Invitae Evidence Modeling of protein sequence and biophysical properties (such as structural, functional, and spatial information, amino acid conservation, physicochemical variation, residue mobility, and thermodynamic stability) indicates that this missense variant is not expected to disrupt ATM protein function with a negative predictive value of 95%. In summary, the available evidence is currently insufficient to determine the role of this variant in disease. Therefore, it has been classified as a Variant of Uncertain Significance.